The following is an entry in ClinVar:

ClinVar aggregate classification (germline): Uncertain significance (1 of 4 stars; one submission).

Conditions:
CHD4-related disorder. Also called: CHD4-related condition.

Submission:

PreventionGenetics, part of Exact Sciences
Classification: Uncertain significance for CHD4-related condition. Last evaluated: 2025-02-06. Review status: criteria provided, single submitter. Criteria: ACMG Guidelines, 2015. Collection method: clinical testing. Allele origin: germline.
Comment: The CHD4 c.4879A>C variant is predicted to result in the amino acid substitution p.Thr1627Pro. To our knowledge, this variant has not been reported in the literature or in a large population database (gnomAD), indicating this variant is rare. Of note, in another species a proline (Pro) is present at the Thr1627 residue. At this time, the clinical significance of this variant is uncertain due to the absence of conclusive functional and genetic evidence.

NM_001273.5(CHD4):c.4879A>C (p.Thr1627Pro)

Genes: CHD4 (chromodomain helicase DNA binding protein 4; minus strand), CHD4-AS1 (CHD4 antisense RNA 1; plus strand). Cytogenetic location: 12p13.31.
Variant type: single nucleotide variant.
Coding change: c.4879A>C on transcript NM_001273.5 (MANE Select); coding-DNA position 4879, A replaced by C.
Protein change: p.Thr1627Pro; replaces threonine 1627 with proline.
Molecular consequence: missense variant.
Genome position (GRCh38, 1-based): chr12:6,581,074, T>G on the plus strand (A>C on the coding strand, the complement: CHD4 is on the minus strand). VCF-style: chr12-6581074-T-G. GRCh37 (hg19) VCF-style: chr12-6690240-T-G.
Other names: c.4858A>C, p.Thr1620Pro (NM_001297553.2); c.4840A>C, p.Thr1614Pro (NM_001363606.2); short protein forms T1627P, T1614P, T1620P.
Identifiers: ClinVar variation 5001016 (VCV005001016.1).